The following is an entry in ClinVar:

NM_000257.4(MYH7):c.4360G>T (p.Ala1454Ser)

Genes: MHRT (myosin heavy chain associated RNA transcript; plus strand), MYH7 (myosin heavy chain 7; minus strand). Cytogenetic location: 14q11.2.
Variant type: single nucleotide variant.
Coding change: c.4360G>T on transcript NM_000257.4 (MANE Select); coding-DNA position 4360, G replaced by T.
Protein change: p.Ala1454Ser; replaces alanine 1454 with serine.
Molecular consequence: missense variant. On other transcripts: non-coding transcript variant (1).
Genome position (GRCh38, 1-based): chr14:23,417,312, C>A on the plus strand (G>T on the coding strand, the complement: MYH7 is on the minus strand). VCF-style: chr14-23417312-C-A. GRCh37 (hg19) VCF-style: chr14-23886521-C-A.
Other names: c.4360G>T, p.Ala1454Ser (NM_001407004.1); short protein forms A1454S.
Identifiers: ClinVar variation 4538839 (VCV004538839.2).

ClinVar aggregate classification (germline): Uncertain significance. Review status: criteria provided, multiple submitters, no conflicts (2 of 4 stars). 2 submissions from 2 submitters: Uncertain significance (2). Last evaluated 2025-07-02.

Conditions:
Hypertrophic cardiomyopathy. Also called: HYPERTROPHIC MYOCARDIOPATHY. Identifiers: Orphanet 217569, MedGen C0007194, MeSH D002312, MONDO:0005045, HP:0001639.

Submissions (2):

Labcorp Genetics (formerly Invitae), Labcorp
Classification: Uncertain significance for Hypertrophic cardiomyopathy. Last evaluated: 2025-07-02. Review status: criteria provided, single submitter. Criteria: Invitae Variant Classification Sherloc (09022015). Collection method: clinical testing. Allele origin: germline.
Comment: This sequence change replaces alanine, which is neutral and non-polar, with serine, which is neutral and polar, at codon 1454 of the MYH7 protein (p.Ala1454Ser). This variant is not present in population databases (gnomAD no frequency). This variant has not been reported in the literature in individuals affected with MYH7-related conditions. Invitae Evidence Modeling of protein sequence and biophysical properties (such as structural, functional, and spatial information, amino acid conservation, physicochemical variation, residue mobility, and thermodynamic stability) indicates that this missense variant is not expected to disrupt MYH7 protein function with a negative predictive value of 95%. In summary, the available evidence is currently insufficient to determine the role of this variant in disease. Therefore, it has been classified as a Variant of Uncertain Significance.

GeneDx
Classification: Uncertain significance. Last evaluated: 2025-06-16. Review status: criteria provided, single submitter. Criteria: GeneDx Variant Classification Process June 2021. Collection method: clinical testing. Allele origin: germline. Affected: yes.
Comment: Not observed at significant frequency in large population cohorts (gnomAD); In silico analysis suggests that this missense variant does not alter protein structure/function; Has not been previously published as pathogenic or benign to our knowledge